The following is an entry in ClinVar:

ClinVar aggregate classification (germline): Likely benign (0 of 4 stars; one submission).

Conditions:
CCNQ-related disorder. Also called: CCNQ-related condition.

Submission:

PreventionGenetics, part of Exact Sciences
Classification: Likely benign for CCNQ-related condition. Last evaluated: 2020-11-03. Review status: no assertion criteria provided. Collection method: clinical testing. Allele origin: germline.
Comment: This variant is classified as likely benign based on ACMG/AMP sequence variant interpretation guidelines (Richards et al. 2015 PMID: 25741868, with internal and published modifications).

NM_152274.5(CCNQ):c.-5G>A

Genes: CCNQ (cyclin Q; minus strand), LOC130068825 (ATAC-STARR-seq lymphoblastoid silent region 21064; plus strand). Cytogenetic location: Xq28.
Variant type: single nucleotide variant.
Coding change: c.-5G>A on transcript NM_152274.5 (MANE Select); 5 bases upstream of the start codon, G replaced by A.
Molecular consequence: 5 prime UTR variant.
Genome position (GRCh38, 1-based): chrX:153,599,078, C>T on the plus strand (G>A on the coding strand, the complement: CCNQ is on the minus strand). VCF-style: chrX-153599078-C-T. GRCh37 (hg19) VCF-style: chrX-152864534-C-T.
Other names: c.-5G>A (NM_001130997.3).
Identifiers: ClinVar variation 3032528 (VCV003032528.2), dbSNP rs1557027858, ClinGen allele CA2466401979.
Genomic context (GRCh38, chrX:153,599,078, plus strand): 5'-TGCCCCTCCGGGCCCCGCGCTGCAGGCCCCCCTCCGCCGCCCTCCGGGGCTTCCATGAGG[C>T]GCCGCGGCACCGGCGGAAGGAGAGGCGGCCCCGGCGCGCAGAAGCCGGCAGAACTGGAGG-3'